The following is an entry in ClinVar:

NM_177559.3(CSNK2A1):c.619C>T (p.Gln207Ter)

Gene: CSNK2A1 (casein kinase 2 alpha 1; minus strand). Cytogenetic location: 20p13.
Variant type: single nucleotide variant.
Coding change: c.619C>T on transcript NM_177559.3 (MANE Select); coding-DNA position 619, C replaced by T.
Protein change: p.Gln207Ter; replaces glutamine 207 with a stop codon.
Molecular consequence: nonsense.
Genome position (GRCh38, 1-based): chr20:492,256, G>A on the plus strand (C>T on the coding strand, the complement: CSNK2A1 is on the minus strand). VCF-style: chr20-492256-G-A. GRCh37 (hg19) VCF-style: chr20-472900-G-A.
Other names: c.211C>T, p.Gln71Ter (NM_177560.3); c.619C>T, p.Gln207Ter (NM_001362770.2, NM_001362771.2, NM_001895.4); short protein forms Q207*, Q71*.
Identifiers: ClinVar variation 4293509 (VCV004293509.1).
Genomic context (GRCh38, chr20:492,256, plus strand): 5'-GTAAATTATGTGCGAAATAAACACAGGATCAAAACTGTGCCTGCCCTTCTGTTCTTACCT[G>A]ATAGTCTACAAGTAGCTCAGGACCTTTGAAGTATCGGGAAGCAACTCGGACATTATATTC-3'

ClinVar aggregate classification (germline): Likely pathogenic (1 of 4 stars; one submission).

Conditions:
Okur-Chung neurodevelopmental syndrome (OCNDS). Identifiers: Orphanet 689422, MedGen C4310739, MONDO:0014893, OMIM 617062.

Submission:

3billion
Classification: Likely pathogenic for Okur-Chung neurodevelopmental syndrome. Last evaluated: 2024-07-15. Review status: criteria provided, single submitter. Criteria: ACMG Guidelines, 2015. Collection method: clinical testing. Allele origin: germline. Affected: yes.
Comment: The variant is not observed in the gnomAD v4.0.0 dataset. Predicted Consequence/Location: Stop-gained (nonsense): predicted to result in a loss or disruption of normal protein function through nonsense-mediated decay (NMD) or protein truncation. Multiple pathogenic variants are reported downstream of the variant. Therefore, this variant is classified as Likely pathogenic according to the recommendation of ACMG/AMP guideline.